The following is an entry in ClinVar:

ClinVar aggregate classification (germline): Uncertain significance (1 of 4 stars; one submission).

gnomAD v4.1: 1 of 1,608,142 alleles (0.000062%); highest among the groups gnomAD compares: Admixed American, 0.0017%; no homozygotes.

Submission:

Dasa
Classification: Uncertain significance. Last evaluated: 2025-02-20. Review status: criteria provided, single submitter. Criteria: DASA Assertion Criteria. Collection method: clinical testing. Allele origin: germline.
Comment: NM_018489.3(ASH1L):c.7348G>T (p.Gly2450Cys) is a missense variant that results in the substitution of glycine with cysteine. This variant is rare in population databases. Computational prediction algorithms are consistent with a benign effect. The currently available literature and clinical evidence are not sufficient to establish a definitive association between this variant and the reported condition. Therefore, this variant is classified as a variant of uncertain significance.

NM_018489.3(ASH1L):c.7348G>T (p.Gly2450Cys)

Gene: ASH1L (ASH1 like histone lysine methyltransferase; minus strand). Cytogenetic location: 1q22.
Variant type: single nucleotide variant.
Coding change: c.7348G>T on transcript NM_018489.3 (MANE Select); coding-DNA position 7348, G replaced by T.
Protein change: p.Gly2450Cys; replaces glycine 2450 with cysteine.
Molecular consequence: missense variant.
Genome position (GRCh38, 1-based): chr1:155,352,724, C>A on the plus strand (G>T on the coding strand, the complement: ASH1L is on the minus strand). VCF-style: chr1-155352724-C-A. GRCh37 (hg19) VCF-style: chr1-155322515-C-A.
Other names: c.7363G>T, p.Gly2455Cys (NM_001366177.2); short protein forms G2450C, G2455C.
Identifiers: ClinVar variation 4881610 (VCV004881610.2).